The following is an entry in ClinVar:

ClinVar aggregate classification (germline): Uncertain significance (1 of 4 stars; one submission).

Conditions:
Long QT syndrome (LQTS). Identifiers: MedGen C0023976, MeSH D008133, MONDO:0002442. Disease mechanism: loss of function. Inheritance: Various modes of inheritance.

Submission:

Labcorp Genetics (formerly Invitae), Labcorp
Classification: Uncertain significance for Long QT syndrome. Last evaluated: 2025-11-25. Review status: criteria provided, single submitter. Criteria: Invitae Variant Classification Sherloc (09022015). Collection method: clinical testing. Allele origin: germline.
Comment: This sequence change replaces histidine, which is basic and polar, with arginine, which is basic and polar, at codon 1904 of the AKAP9 protein (p.His1904Arg). This variant is not present in population databases (gnomAD no frequency). This variant has not been reported in the literature in individuals affected with AKAP9-related conditions. An algorithm developed to predict the effect of missense changes on protein structure and function (PolyPhen-2) suggests that this variant is likely to be tolerated. In summary, the available evidence is currently insufficient to determine the role of this variant in disease. Therefore, it has been classified as a Variant of Uncertain Significance.

NM_005751.5(AKAP9):c.5711A>G (p.His1904Arg)

Gene: AKAP9 (A-kinase anchoring protein 9; plus strand). Cytogenetic location: 7q21.2.
Variant type: single nucleotide variant.
Coding change: c.5711A>G on transcript NM_005751.5 (MANE Select); coding-DNA position 5711, A replaced by G.
Protein change: p.His1904Arg; replaces histidine 1904 with arginine.
Molecular consequence: missense variant.
Genome position (GRCh38, 1-based): chr7:92,061,369, A>G. VCF-style: chr7-92061369-A-G. GRCh37 (hg19) VCF-style: chr7-91690683-A-G.
Other names: c.356A>G, p.His119Arg (NM_001379277.1); c.5711A>G, p.His1904Arg (NM_147185.3); short protein forms H119R, H1904R.
Identifiers: ClinVar variation 4710993 (VCV004710993.1).
Genomic context (GRCh38, chr7:92,061,369, plus strand): 5'-GACAGAAACAAGAAGCAACAGAGTCCCTTAAGTGCCAAGAGGAACTTCGAGAGCGCCTTC[A>G]TGAGGAGTCCAGGGCCAGAGAACAGCTAGCTGTGGAGCTCAGTAAGGCTGAGGGTGAGCA-3'
Protein context (NP_005742.4, residues 1894-1914): KCQEELRERL[His1904Arg]EESRAREQLA